The following is an entry in ClinVar:

NM_003235.5(TG):c.6766del (p.Asp2256fs)

Gene: TG (thyroglobulin; plus strand). Cytogenetic location: 8q24.22.
Variant type: Deletion.
Coding change: c.6766del on transcript NM_003235.5 (MANE Select); coding-DNA position 6766, one base deleted (G; older notation c.6766delG).
Protein change: p.Asp2256fs; shifts the reading frame from aspartic acid 2256.
Molecular consequence: frameshift variant.
Genome position (GRCh38, 1-based): chr8:133,017,981, G deleted; the last of 3 consecutive G bases (chr8:133,017,979-133,017,981); deleting any one gives the same sequence. VCF-style (leftmost placement, unchanged base first): chr8-133017978-TG-T. GRCh37 (hg19) VCF-style: chr8-134030223-TG-T.
Other names: short protein forms D2256fs.
Identifiers: ClinVar variation 2824858 (VCV002824858.3), dbSNP rs2536863682, ClinGen allele CA2739268974.

ClinVar aggregate classification (germline): Pathogenic (1 of 4 stars; one submission).

Submission:

Labcorp Genetics (formerly Invitae), Labcorp
Classification: Pathogenic. Last evaluated: 2023-04-11. Review status: criteria provided, single submitter. Criteria: Invitae Variant Classification Sherloc (09022015). Collection method: clinical testing. Allele origin: germline.
Comment: For these reasons, this variant has been classified as Pathogenic. This variant has not been reported in the literature in individuals affected with TG-related conditions. This variant is not present in population databases (gnomAD no frequency). This sequence change creates a premature translational stop signal (p.Asp2256Metfs*88) in the TG gene. It is expected to result in an absent or disrupted protein product. Loss-of-function variants in TG are known to be pathogenic (PMID: 19837936, 23164529).

Literature cited by the submitters: PubMed 19837936; PubMed 23164529.